The following is an entry in ClinVar:

NM_015102.5(NPHP4):c.3558+8G>T

Gene: NPHP4 (nephrocystin 4; minus strand). Cytogenetic location: 1p36.31.
Variant type: single nucleotide variant.
Coding change: c.3558+8G>T on transcript NM_015102.5 (MANE Select); 8 bases into the intron after coding-DNA position 3558, G replaced by T.
Molecular consequence: intron variant.
Genome position (GRCh38, 1-based): chr1:5,867,022, C>A on the plus strand (G>T on the coding strand, the complement: NPHP4 is on the minus strand). VCF-style: chr1-5867022-C-A. GRCh37 (hg19) VCF-style: chr1-5927082-C-A.
Other names: c.2022+8G>T (NM_001291594.2); c.2019+8G>T (NM_001291593.2); c.3558+8G>T (NM_015102.4).
Identifiers: ClinVar variation 3610634 (VCV003610634.3).

ClinVar aggregate classification (germline): Likely benign. Review status: criteria provided, multiple submitters, no conflicts (2 of 4 stars). 2 submissions from 2 submitters: Likely benign (2). Last evaluated 2025-03-23.

Conditions:
Nephronophthisis. Also called: Juvenile Nephronophthisis. Identifiers: Orphanet 655, MedGen C0687120, MONDO:0019005, HP:0000090.
NPHP4-related disorder. Also called: NPHP4-related condition; NPHP4-related disorders. Identifiers: MedGen CN239384.

gnomAD v4.1: 2 of 1,611,050 alleles (0.00012%); highest among the groups gnomAD compares: Admixed American, 0.0033%; no homozygotes.

Submissions (2):

PreventionGenetics, part of Exact Sciences
Classification: Likely benign for NPHP4-related condition. Last evaluated: 2025-03-23. Review status: criteria provided, single submitter. Criteria: ACMG Guidelines, 2015. Collection method: clinical testing. Allele origin: germline.
Comment: This variant is classified as likely benign based on ACMG/AMP sequence variant interpretation guidelines (Richards et al. 2015 PMID: 25741868, with internal and published modifications).

Labcorp Genetics (formerly Invitae), Labcorp
Classification: Likely benign for Nephronophthisis. Last evaluated: 2024-02-14. Review status: criteria provided, single submitter. Criteria: Invitae Variant Classification Sherloc (09022015). Collection method: clinical testing. Allele origin: germline.